The following is an entry in ClinVar:

ClinVar aggregate classification (germline): Uncertain significance. Review status: criteria provided, multiple submitters, no conflicts (2 of 4 stars). 2 submissions from 2 submitters: Uncertain significance (2). Last evaluated 2025-12-22.

Conditions:
MHC class I deficiency. Identifiers: Orphanet 34592, MedGen C6024714, MONDO:0011476.
Inborn genetic diseases. Identifiers: MedGen C0950123, MeSH D030342.

Allele frequency attached by ClinVar (database versions not stated): gnomAD 0.00001; TOPMed 0.00001.
gnomAD v4.1: 1 of 1,612,970 alleles (0.000062%); highest among the groups gnomAD compares: African/African-American, 0.0013%; no homozygotes.

Submissions (2):

Labcorp Genetics (formerly Invitae), Labcorp
Classification: Uncertain significance for MHC class I deficiency 1. Last evaluated: 2025-12-22. Review status: criteria provided, single submitter. Criteria: Invitae Variant Classification Sherloc (09022015). Collection method: clinical testing. Allele origin: germline.
Comment: This sequence change replaces leucine, which is neutral and non-polar, with valine, which is neutral and non-polar, at codon 295 of the TAP2 protein (p.Leu295Val). This variant is not present in population databases (gnomAD no frequency). This variant has not been reported in the literature in individuals affected with TAP2-related conditions. ClinVar contains an entry for this variant (Variation ID: 859394). Experimental studies and prediction algorithms are not available or were not evaluated, and the functional significance of this variant is currently unknown. In summary, the available evidence is currently insufficient to determine the role of this variant in disease. Therefore, it has been classified as a Variant of Uncertain Significance.

Ambry Genetics
Classification: Uncertain significance for Inborn genetic diseases. Last evaluated: 2024-09-02. Review status: criteria provided, single submitter. Criteria: Ambry Variant Classification Scheme 2023. Collection method: clinical testing. Allele origin: germline.

NM_001290043.2(TAP2):c.883C>G (p.Leu295Val)

Gene: TAP2 (transporter 2, ATP binding cassette subfamily B member; minus strand). Cytogenetic location: 6p21.32.
Variant type: single nucleotide variant.
Coding change: c.883C>G on transcript NM_001290043.2 (MANE Select); coding-DNA position 883, C replaced by G.
Protein change: p.Leu295Val; replaces leucine 295 with valine.
Molecular consequence: missense variant.
Genome position (GRCh38, 1-based): chr6:32,835,216, G>C on the plus strand (C>G on the coding strand, the complement: TAP2 is on the minus strand). VCF-style: chr6-32835216-G-C. GRCh37 (hg19) VCF-style: chr6-32802993-G-C.
Other names: c.883C>G, p.Leu295Val (NM_018833.3, NM_000544.3); short protein forms L295V.
Identifiers: ClinVar variation 859394 (VCV000859394.10), dbSNP rs1562335145, ClinGen allele CA363584204.
Genomic context (GRCh38, chr6:32,835,216, plus strand): 5'-GATGGCGGGTGTTGTACACCTTCTCCGCTGCTATTGTGAAGGGCATGTGCAGCAGAGAAA[G>C]GAGGGTGAGTCGAGGCGATATGCTGAGCATGAAGCCATACAGCCCCACCACTTTCACCAG-3'
Protein context (NP_001276972.1, residues 285-305): MLSISPRLTL[Leu295Val]SLLHMPFTIA